The following is an entry in ClinVar:

ClinVar aggregate classification (germline): Likely pathogenic (1 of 4 stars; one submission).

Conditions:
Opsismodysplasia (OPSMD). Also called: INPPL1-Related Opsismodysplasia. Identifiers: Orphanet 2746, MedGen C0432219, MONDO:0009785, OMIM 258480.

Submission:

3billion
Classification: Likely pathogenic for Opsismodysplasia. Last evaluated: 2025-08-30. Review status: criteria provided, single submitter. Criteria: ACMG Guidelines, 2015. Collection method: clinical testing. Allele origin: germline. Affected: yes.
Comment: The variant is not observed in the gnomAD v4.1.0 dataset. Predicted Consequence/Location: Canonical splice site: predicted to alter splicing and result in a loss or disruption of normal protein function. Multiple pathogenic loss-of-function variants are reported downstream of the variant. Therefore, this variant is classified as Likely pathogenic according to the recommendation of ACMG/AMP guideline.

NM_001567.4(INPPL1):c.518+1G>T

Gene: INPPL1 (inositol polyphosphate phosphatase like 1; plus strand). Cytogenetic location: 11q13.4.
Variant type: single nucleotide variant.
Coding change: c.518+1G>T on transcript NM_001567.4 (MANE Select); the canonical splice donor site of the intron after coding-DNA position 518, G replaced by T.
Molecular consequence: splice donor variant.
Genome position (GRCh38, 1-based): chr11:72,228,848, G>T. VCF-style: chr11-72228848-G-T. GRCh37 (hg19) VCF-style: chr11-71939892-G-T.
Other names: c.518+1G>T (NM_001440434.1, NM_001440437.1, NM_001440436.1 and 2 more transcripts).
Identifiers: ClinVar variation 4855822 (VCV004855822.1).